The following is an entry in ClinVar:

ClinVar aggregate classification (germline): Likely benign. Review status: criteria provided, multiple submitters, no conflicts (2 of 4 stars). 2 submissions from 2 submitters: Likely benign (2). Last evaluated 2026-05-01.

Allele frequency attached by ClinVar (database versions not stated): ExAC 0.00001; gnomAD exomes 0.00001; TOPMed 0.00001.
gnomAD v4.1: 9 of 1,613,472 alleles (0.00056%); highest among the groups gnomAD compares: South Asian, 0.0055%; no homozygotes.

Submissions (2):

CeGaT Center for Human Genetics Tuebingen
Classification: Likely benign. Last evaluated: 2026-05-01. Review status: criteria provided, single submitter. Criteria: CeGaT Center For Human Genetics Tuebingen Variant Classification Criteria Version 2. Collection method: clinical testing. Allele origin: germline. Affected: yes. Observed: 1 variant allele.
Comment: GNPAT: BP4, BP7

Labcorp Genetics (formerly Invitae), Labcorp
Classification: Likely benign. Last evaluated: 2023-11-18. Review status: criteria provided, single submitter. Criteria: Invitae Variant Classification Sherloc (09022015). Collection method: clinical testing. Allele origin: germline.

NM_014236.4(GNPAT):c.387A>G (p.Val129=)

Gene: GNPAT (glyceronephosphate O-acyltransferase; plus strand). Cytogenetic location: 1q42.2.
Variant type: single nucleotide variant.
Coding change: c.387A>G on transcript NM_014236.4 (MANE Select); coding-DNA position 387, A replaced by G.
Protein change: p.Val129=; no amino-acid change (valine 129 retained).
Molecular consequence: synonymous variant.
Genome position (GRCh38, 1-based): chr1:231,260,632, A>G. VCF-style: chr1-231260632-A-G. GRCh37 (hg19) VCF-style: chr1-231396378-A-G.
Other names: c.204A>G, p.Val68= (NM_001316350.2).
Identifiers: ClinVar variation 2919800 (VCV002919800.5), dbSNP rs750169673, ClinGen allele CA1451779.